The following is an entry in ClinVar:

ClinVar aggregate classification (germline): Uncertain significance (1 of 4 stars; one submission).

Conditions:
Nemaline myopathy 2 (NEM2). Also called: Nemaline myopathy 2, autosomal recessive. Identifiers: MedGen C1850569, MONDO:0009725, OMIM 256030.

Allele frequency attached by ClinVar (database versions not stated): gnomAD exomes below 0.00001 and 0.00001; ExAC 0.00001.

Submission:

Labcorp Genetics (formerly Invitae), Labcorp
Classification: Uncertain significance for Nemaline myopathy 2. Last evaluated: 2021-09-24. Review status: criteria provided, single submitter. Criteria: Invitae Variant Classification Sherloc (09022015). Collection method: clinical testing. Allele origin: germline.
Comment: This sequence change replaces proline with alanine at codon 3264 of the NEB protein (p.Pro3264Ala). The proline residue is moderately conserved and there is a small physicochemical difference between proline and alanine. This variant is present in population databases (rs755708498, ExAC 0.001%). This variant has not been reported in the literature in individuals with NEB-related conditions. Algorithms developed to predict the effect of missense changes on protein structure and function are either unavailable or do not agree on the potential impact of this missense change (SIFT: "Deleterious"; PolyPhen-2: "Not Available"; Align-GVGD: "Class C0"). In summary, the available evidence is currently insufficient to determine the role of this variant in disease. Therefore, it has been classified as a Variant of Uncertain Significance.

NM_001164508.2(NEB):c.9790C>G (p.Pro3264Ala)

Gene: NEB (nebulin; minus strand). Cytogenetic location: 2q23.3.
Variant type: single nucleotide variant.
Coding change: c.9790C>G on transcript NM_001164508.2 (MANE Select); coding-DNA position 9790, C replaced by G.
Protein change: p.Pro3264Ala; replaces proline 3264 with alanine.
Molecular consequence: missense variant.
Genome position (GRCh38, 1-based): chr2:151,629,580, G>C on the plus strand (C>G on the coding strand, the complement: NEB is on the minus strand). VCF-style: chr2-151629580-G-C. GRCh37 (hg19) VCF-style: chr2-152486094-G-C.
Other names: c.9790C>G, p.Pro3264Ala (NM_001164507.2, NM_001271208.2); c.9061C>G, p.Pro3021Ala (NM_004543.5); short protein forms P3021A, P3264A.
Identifiers: ClinVar variation 1402377 (VCV001402377.5), dbSNP rs755708498, ClinGen allele CA1909203.